The following is an entry in ClinVar:

NM_005045.4(RELN):c.5600G>C (p.Arg1867Thr)

Gene: RELN (reelin; minus strand). Cytogenetic location: 7q22.1.
Variant type: single nucleotide variant.
Coding change: c.5600G>C on transcript NM_005045.4 (MANE Select); coding-DNA position 5600, G replaced by C.
Protein change: p.Arg1867Thr; replaces arginine 1867 with threonine.
Molecular consequence: missense variant.
Genome position (GRCh38, 1-based): chr7:103,557,979, C>G on the plus strand (G>C on the coding strand, the complement: RELN is on the minus strand). VCF-style: chr7-103557979-C-G. GRCh37 (hg19) VCF-style: chr7-103198426-C-G.
Other names: c.5600G>C, p.Arg1867Thr (NM_173054.3); short protein forms R1867T.
Identifiers: ClinVar variation 1042133 (VCV001042133.8), dbSNP rs1830562342, ClinGen allele CA368742477.

ClinVar aggregate classification (germline): Uncertain significance (1 of 4 stars; one submission).

Conditions:
Norman-Roberts syndrome (LIS2). Also called: Lissencephaly 2 (Norman-Roberts type). Identifiers: Orphanet 89844, MedGen C0796089, MONDO:0009760, OMIM 257320.
Familial temporal lobe epilepsy 7. Identifiers: Orphanet 101046, MedGen C4225327, MONDO:0014639, OMIM 616436.

Allele frequency attached by ClinVar (database versions not stated): gnomAD exomes below 0.00001; TOPMed below 0.00001.
gnomAD v4.1: 1 of 1,375,348 alleles (0.000073%); highest among the groups gnomAD compares: African/African-American, 0.0014%; no homozygotes.

Submission:

Labcorp Genetics (formerly Invitae), Labcorp
Classification: Uncertain significance for Familial temporal lobe epilepsy 7; Norman-Roberts syndrome. Last evaluated: 2022-02-24. Review status: criteria provided, single submitter. Criteria: Invitae Variant Classification Sherloc (09022015). Collection method: clinical testing. Allele origin: germline.
Comment: In summary, the available evidence is currently insufficient to determine the role of this variant in disease. Therefore, it has been classified as a Variant of Uncertain Significance. Algorithms developed to predict the effect of missense changes on protein structure and function are either unavailable or do not agree on the potential impact of this missense change (SIFT: "Deleterious"; PolyPhen-2: "Benign"; Align-GVGD: "Class C0"). ClinVar contains an entry for this variant (Variation ID: 1042133). This variant has not been reported in the literature in individuals affected with RELN-related conditions. This variant is not present in population databases (gnomAD no frequency). This sequence change replaces arginine, which is basic and polar, with threonine, which is neutral and polar, at codon 1867 of the RELN protein (p.Arg1867Thr).